The following is an entry in ClinVar:

ClinVar aggregate classification (germline): Uncertain significance. Review status: criteria provided, multiple submitters, no conflicts (2 of 4 stars). 3 submissions from 3 submitters: Uncertain significance (2). 1 of the submissions does not count toward it. Last evaluated 2024-02-12.

Conditions:
Cystinosis. Also called: Cystine diathesis; Cystine storage disease; Cystinoses. Identifiers: Orphanet 213, MedGen C4316899, MONDO:0016239.
Ocular cystinosis. Also called: Non-Nephropathic Cystinosis; Non-Nephropathic (Ocular) Cystinosis. Identifiers: Orphanet 213, Orphanet 411641, MedGen C2931013, MONDO:0009064, OMIM 219750.
Juvenile nephropathic cystinosis. Also called: Intermediate Cystinosis; CYSTINOSIS, LATE-ONSET JUVENILE OR ADOLESCENT NEPHROPATHIC TYPE; Later-Onset (Juvenile) Cystinosis. Identifiers: Orphanet 213, Orphanet 411634, MedGen C0268626, MONDO:0009066, OMIM 219900.
Nephropathic cystinosis (CTNS). Also called: CYSTINOSIN, DEFECT OF; LYSOSOMAL CYSTINE TRANSPORT PROTEIN, DEFECT OF; Abderhalden Lignac Kaufmann disease; Abderhalden-Kaufmann-Lignac syndrome. Identifiers: Orphanet 213, Orphanet 411629, MedGen C2931187, MONDO:0100151, OMIM 219800.
Inborn genetic diseases. Identifiers: MedGen C0950123, MeSH D030342.

Allele frequency attached by ClinVar (database versions not stated): gnomAD exomes 0.00001 and 0.00004; TOPMed 0.00011; gnomAD 0.00013 and 0.00015.
gnomAD v4.1: 34 of 1,611,920 alleles (0.0021%); highest among the groups gnomAD compares: Admixed American, 0.048%; no homozygotes.

Submissions (3):

Fulgent Genetics
Classification: Uncertain significance for Ocular cystinosis; Nephropathic cystinosis; Juvenile nephropathic cystinosis. Last evaluated: 2024-02-12. Review status: criteria provided, single submitter. Criteria: ACMG Guidelines, 2015. Collection method: clinical testing. Allele origin: germline.

Labcorp Genetics (formerly Invitae), Labcorp
Classification: Uncertain significance for Inborn genetic diseases; Ocular cystinosis; Juvenile nephropathic cystinosis. Last evaluated: 2021-08-30. Review status: criteria provided, single submitter. Criteria: Invitae Variant Classification Sherloc (09022015). Collection method: clinical testing. Allele origin: germline.
Comment: This sequence change replaces leucine with proline at codon 278 of the CTNS protein (p.Leu278Pro). The leucine residue is highly conserved and there is a moderate physicochemical difference between leucine and proline. This variant is not present in population databases (ExAC no frequency). This variant has not been reported in the literature in individuals affected with CTNS-related conditions. Algorithms developed to predict the effect of missense changes on protein structure and function are either unavailable or do not agree on the potential impact of this missense change (SIFT: "Deleterious"; PolyPhen-2: "Probably Damaging"; Align-GVGD: "Class C0"). In summary, the available evidence is currently insufficient to determine the role of this variant in disease. Therefore, it has been classified as a Variant of Uncertain Significance.

Natera, Inc.
Classification: Uncertain significance for Cystinosis. Last evaluated: 2020-11-02. Review status: no assertion criteria provided. Collection method: clinical testing. Allele origin: germline. Not counted in ClinVar's aggregate classification.

NM_004937.3(CTNS):c.833T>C (p.Leu278Pro)

Gene: CTNS (cystinosin, lysosomal cystine transporter; plus strand). Cytogenetic location: 17p13.2.
Variant type: single nucleotide variant.
Coding change: c.833T>C on transcript NM_004937.3 (MANE Select); coding-DNA position 833, T replaced by C.
Protein change: p.Leu278Pro; replaces leucine 278 with proline.
Molecular consequence: missense variant.
Genome position (GRCh38, 1-based): chr17:3,658,156, T>C. VCF-style: chr17-3658156-T-C. GRCh37 (hg19) VCF-style: chr17-3561450-T-C.
Other names: c.833T>C, p.Leu278Pro (NM_001031681.3, NM_001374492.1); c.392T>C, p.Leu131Pro (NM_001374493.1, NM_001374494.1, NM_001374495.1 and 1 more transcripts); short protein forms L278P, L131P.
Identifiers: ClinVar variation 648616 (VCV000648616.11), dbSNP rs1314998853, ClinGen allele CA397692707.